The following is an entry in ClinVar:

ClinVar aggregate classification (germline): Likely benign. Review status: criteria provided, multiple submitters, no conflicts (2 of 4 stars). 3 submissions from 3 submitters: Likely benign (2). 1 of the submissions does not count toward it. Last evaluated 2025-12-18.

Conditions:
CXCR2-related disorder. Also called: CXCR2-related condition.

gnomAD v4.1: 303 of 1,614,018 alleles (0.019%); highest among the groups gnomAD compares: Non-Finnish European, 0.024%; no homozygotes.

Submissions (3):

Labcorp Genetics (formerly Invitae), Labcorp
Classification: Likely benign. Last evaluated: 2025-12-18. Review status: criteria provided, single submitter. Criteria: Invitae Variant Classification Sherloc (09022015). Collection method: clinical testing. Allele origin: germline.

Blueprint Genetics
Classification: Likely benign. Last evaluated: 2024-01-19. Review status: criteria provided, single submitter. Criteria: ACMG Guidelines, 2015. Collection method: clinical testing. Allele origin: germline.

PreventionGenetics, part of Exact Sciences
Classification: Likely benign for CXCR2-related condition. Last evaluated: 2024-01-17. Review status: no assertion criteria provided. Collection method: clinical testing. Allele origin: germline. Not counted in ClinVar's aggregate classification.
Comment: This variant is classified as likely benign based on ACMG/AMP sequence variant interpretation guidelines (Richards et al. 2015 PMID: 25741868, with internal and published modifications).

NM_001557.4(CXCR2):c.90C>G (p.Pro30=)

Gene: CXCR2 (C-X-C motif chemokine receptor 2; plus strand). Cytogenetic location: 2q35.
Variant type: single nucleotide variant.
Coding change: c.90C>G on transcript NM_001557.4 (MANE Select); coding-DNA position 90, C replaced by G.
Protein change: p.Pro30=; no amino-acid change (proline 30 retained).
Molecular consequence: synonymous variant.
Genome position (GRCh38, 1-based): chr2:218,134,891, C>G. VCF-style: chr2-218134891-C-G. GRCh37 (hg19) VCF-style: chr2-218999614-C-G.
Other names: c.90C>G, p.Pro30= (NM_001168298.2); c.90C>G (NM_001168298.1).
Identifiers: ClinVar variation 1529999 (VCV001529999.11), dbSNP rs142762038, ClinGen allele CA2101644.
Genomic context (GRCh38, chr2:218,134,891, plus strand): 5'-CTTTGAAGATTTCTGGAAAGGTGAAGATCTTAGTAATTACAGTTACAGCTCTACCCTGCC[C>G]CCTTTTCTACTAGATGCCGCCCCATGTGAACCAGAATCCCTGGAAATCAACAAGTATTTT-3'
Protein context (NP_001548.1, residues 20-40): LSNYSYSSTL[Pro30=]PFLLDAAPCE